The following is an entry in ClinVar:

NM_015425.6(POLR1A):c.4900A>G (p.Ile1634Val)

Gene: POLR1A (RNA polymerase I subunit A; minus strand). Cytogenetic location: 2p11.2.
Variant type: single nucleotide variant.
Coding change: c.4900A>G on transcript NM_015425.6 (MANE Select); coding-DNA position 4900, A replaced by G.
Protein change: p.Ile1634Val; replaces isoleucine 1634 with valine.
Molecular consequence: missense variant.
Genome position (GRCh38, 1-based): chr2:86,028,047, T>C on the plus strand (A>G on the coding strand, the complement: POLR1A is on the minus strand). VCF-style: chr2-86028047-T-C. GRCh37 (hg19) VCF-style: chr2-86255170-T-C.
Other names: short protein forms I1634V.
Identifiers: ClinVar variation 3710131 (VCV003710131.2).

ClinVar aggregate classification (germline): Uncertain significance (1 of 4 stars; one submission).

gnomAD v4.1: 6 of 1,614,008 alleles (0.00037%); highest among the groups gnomAD compares: African/African-American, 0.0053%; no homozygotes.

Submission:

Labcorp Genetics (formerly Invitae), Labcorp
Classification: Uncertain significance. Last evaluated: 2024-10-22. Review status: criteria provided, single submitter. Criteria: Invitae Variant Classification Sherloc (09022015). Collection method: clinical testing. Allele origin: germline.
Comment: This sequence change replaces isoleucine, which is neutral and non-polar, with valine, which is neutral and non-polar, at codon 1634 of the POLR1A protein (p.Ile1634Val). This variant is present in population databases (no rsID available, gnomAD 0.008%). This variant has not been reported in the literature in individuals affected with POLR1A-related conditions. An algorithm developed to predict the effect of missense changes on protein structure and function (PolyPhen-2) suggests that this variant is likely to be disruptive. In summary, the available evidence is currently insufficient to determine the role of this variant in disease. Therefore, it has been classified as a Variant of Uncertain Significance.